The following is an entry in ClinVar:

NM_032656.4(DHX37):c.3061C>A (p.Pro1021Thr)

Gene: DHX37 (DEAH-box helicase 37; minus strand). Cytogenetic location: 12q24.31.
Variant type: single nucleotide variant.
Coding change: c.3061C>A on transcript NM_032656.4 (MANE Select); coding-DNA position 3061, C replaced by A.
Protein change: p.Pro1021Thr; replaces proline 1021 with threonine.
Molecular consequence: missense variant.
Genome position (GRCh38, 1-based): chr12:124,950,473, G>T on the plus strand (C>A on the coding strand, the complement: DHX37 is on the minus strand). VCF-style: chr12-124950473-G-T. GRCh37 (hg19) VCF-style: chr12-125435019-G-T.
Other names: short protein forms P1021T.
Identifiers: ClinVar variation 2914752 (VCV002914752.3), dbSNP rs749008061, ClinGen allele CA6871379.

ClinVar aggregate classification (germline): Uncertain significance (1 of 4 stars; one submission).

Allele frequency attached by ClinVar (database versions not stated): gnomAD exomes 0.00001; ExAC 0.00003; gnomAD 0.00010; TOPMed 0.00013.

Submission:

Labcorp Genetics (formerly Invitae), Labcorp
Classification: Uncertain significance. Last evaluated: 2023-09-09. Review status: criteria provided, single submitter. Criteria: Invitae Variant Classification Sherloc (09022015). Collection method: clinical testing. Allele origin: germline.
Comment: In summary, the available evidence is currently insufficient to determine the role of this variant in disease. Therefore, it has been classified as a Variant of Uncertain Significance. Advanced modeling of protein sequence and biophysical properties (such as structural, functional, and spatial information, amino acid conservation, physicochemical variation, residue mobility, and thermodynamic stability) performed at Invitae indicates that this missense variant is not expected to disrupt DHX37 protein function. This variant has not been reported in the literature in individuals affected with DHX37-related conditions. This variant is present in population databases (rs749008061, gnomAD 0.04%). This sequence change replaces proline, which is neutral and non-polar, with threonine, which is neutral and polar, at codon 1021 of the DHX37 protein (p.Pro1021Thr).